The following is an entry in ClinVar:

NM_173076.3(ABCA12):c.485C>T (p.Ala162Val)

Gene: ABCA12 (ATP binding cassette subfamily A member 12; minus strand). Cytogenetic location: 2q35.
Variant type: single nucleotide variant.
Coding change: c.485C>T on transcript NM_173076.3 (MANE Select); coding-DNA position 485, C replaced by T.
Protein change: p.Ala162Val; replaces alanine 162 with valine.
Molecular consequence: missense variant. On other transcripts: non-coding transcript variant (1).
Genome position (GRCh38, 1-based): chr2:215,052,509, G>A on the plus strand (C>T on the coding strand, the complement: ABCA12 is on the minus strand). VCF-style: chr2-215052509-G-A. GRCh37 (hg19) VCF-style: chr2-215917233-G-A.
Other names: short protein forms A162V.
Identifiers: ClinVar variation 235587 (VCV000235587.47), dbSNP rs149399707, ClinGen allele CA2092528.

ClinVar aggregate classification (germline): Conflicting classifications of pathogenicity. Review status: criteria provided, conflicting classifications (1 of 4 stars). 9 submissions from 9 submitters: Uncertain significance (5); Benign (2); Likely benign (1). 1 of the submissions does not count toward it. Last evaluated 2026-01-28.

Conditions:
ABCA12-related disorder. Also called: ABCA12-related condition.
Congenital ichthyosis of skin. Identifiers: MedGen C0020758.
Autosomal recessive congenital ichthyosis 4B (ARCI4B). Also called: ICHTHYOSIS CONGENITA, HARLEQUIN FETUS TYPE; Ichthyosis, congenital, autosomal recessive 4B (harlequin); Harlequin Fetus; HARLEQUIN ICHTHYOSIS. Identifiers: Orphanet 457, MedGen C0598226, MONDO:0009443, OMIM 242500.

Allele frequency attached by ClinVar (database versions not stated): gnomAD 0.00126; ESP Exome Variant Server 0.00131; gnomAD exomes 0.00139 and 0.00156; TOPMed 0.00140; ExAC 0.00141.
gnomAD v4.1: 2,463 of 1,612,514 alleles (0.15%); highest among the groups gnomAD compares: Non-Finnish European, 0.18%; 7 homozygotes.

Submissions (9):

Labcorp Genetics (formerly Invitae), Labcorp
Classification: Benign. Last evaluated: 2026-01-28. Review status: criteria provided, single submitter. Criteria: Invitae Variant Classification Sherloc (09022015). Collection method: clinical testing. Allele origin: germline.

Blueprint Genetics
Classification: Uncertain significance. Last evaluated: 2024-11-21. Review status: criteria provided, single submitter. Criteria: ACMG Guidelines, 2015. Collection method: clinical testing. Allele origin: germline.

CeGaT Center for Human Genetics Tuebingen
Classification: Likely benign. Last evaluated: 2024-06-01. Review status: criteria provided, single submitter. Criteria: CeGaT Center For Human Genetics Tuebingen Variant Classification Criteria Version 2. Collection method: clinical testing. Allele origin: germline. Affected: yes. Observed: 2 variant alleles.
Comment: ABCA12: BP4, BS2

Women's Health and Genetics/Laboratory Corporation of America, LabCorp
Classification: Benign. Last evaluated: 2022-05-03. Review status: criteria provided, single submitter. Criteria: LabCorp Variant Classification Summary - May 2015. Collection method: clinical testing. Allele origin: germline.
Comment: Variant summary: ABCA12 c.485C>T (p.Ala162Val) results in a non-conservative amino acid change in the encoded protein sequence. Four of five in-silico tools predict a benign effect of the variant on protein function. The variant allele was found at a frequency of 0.0014 in 250822 control chromosomes in the gnomAD database, including 2 homozygotes. The observed variant frequency is approximately 2.1 fold of the estimated maximal expected allele frequency for a pathogenic variant in ABCA12 causing Lamellar Ichthyosis phenotype (0.00066), strongly suggesting that the variant is benign. To our knowledge, no penetrant association c.485C>T in individuals affected with Lamellar Ichthyosis and no experimental evidence demonstrating its impact on protein function have been reported. Four clinical diagnostic laboratories have submitted clinical-significance assessments for this variant to ClinVar after 2014 without evidence for independent evaluation. Based on the evidence outlined above, the variant was classified as benign.

Department of Pathology and Laboratory Medicine, Sinai Health System
Classification: Uncertain significance for autosomal recessive congenital ichthyosis 4B. Last evaluated: 2021-11-18. Review status: criteria provided, single submitter. Criteria: ACMG Guidelines, 2015. Collection method: research. Allele origin: germline.

Illumina Laboratory Services, Illumina
Classification: Uncertain significance for Congenital ichthyosis of skin. Last evaluated: 2018-01-12. Review status: criteria provided, single submitter. Criteria: ICSL Variant Classification Criteria 13 December 2019. Collection method: clinical testing. Allele origin: germline.

GeneDx
Classification: Uncertain significance. Last evaluated: 2017-09-19. Review status: criteria provided, single submitter. Criteria: GeneDx Variant Classification (06012015). Collection method: clinical testing. Allele origin: germline. Affected: yes.
Comment: The A162V variant in the ABCA12 gene has not been reported previously as a pathogenic variant, nor as a benign variant, to our knowledge. However, it is reported as a variant of uncertain significance in ClinVar by two different clinical laboratories, but additional evidence is not available (ClinVar SCV000281280.1 and SCV000427323.2; Landrum et al., 2016). The A162V variant is observed in 124/66,462 alleles (0.19%) from individuals of non-Finnish European background in the ExAC dataset, including one homozygous control individual (Lek et al., 2016). The A162V variant is a conservative amino acid substitution, which is not likely to impact secondary protein structure as these residues share similar properties. In addition, this substitution occurs at a position that is not conserved across species, and in silico analysis is inconsistent in its predictions as to whether or not the variant is damaging to the protein structure/function. We interpret A162V as a variant of uncertain significance.

Center for Pediatric Genomic Medicine, Children's Mercy Hospital and Clinics
Classification: Uncertain significance. Last evaluated: 2015-09-15. Review status: criteria provided, single submitter. Criteria: ACMG Guidelines, 2015. Collection method: clinical testing. Allele origin: germline.
ClinVar note: Converted during submission from Uncertain Significance to Uncertain significance.

PreventionGenetics, part of Exact Sciences
Classification: Likely benign for ABCA12-related condition. Last evaluated: 2022-02-09. Review status: no assertion criteria provided. Collection method: clinical testing. Allele origin: germline. Not counted in ClinVar's aggregate classification.
Comment: This variant is classified as likely benign based on ACMG/AMP sequence variant interpretation guidelines (Richards et al. 2015 PMID: 25741868, with internal and published modifications).